The following is an entry in ClinVar:

NM_001040716.2(PC):c.904-17C>T

Gene: PC (pyruvate carboxylase; minus strand). Cytogenetic location: 11q13.2.
Variant type: single nucleotide variant.
Coding change: c.904-17C>T on transcript NM_001040716.2 (MANE Select); 17 bases into the intron before coding-DNA position 904, C replaced by T.
Molecular consequence: intron variant.
Genome position (GRCh38, 1-based): chr11:66,868,981, G>A on the plus strand (C>T on the coding strand, the complement: PC is on the minus strand). VCF-style: chr11-66868981-G-A. GRCh37 (hg19) VCF-style: chr11-66636452-G-A.
Other names: c.904-17C>T (NM_000920.4, NM_022172.3).
Identifiers: ClinVar variation 138584 (VCV000138584.11), dbSNP rs199565222, ClinGen allele CA292685.

ClinVar aggregate classification (germline): Benign/Likely benign. Review status: criteria provided, multiple submitters, no conflicts (2 of 4 stars). 4 submissions from 4 submitters: Benign (3); Likely benign (1). Last evaluated 2026-02-02.

Conditions:
Pyruvate carboxylase deficiency. Also called: Pyruvate Carboxylase Deficiency Disease; ATAXIA WITH LACTIC ACIDOSIS II; LEIGH NECROTIZING ENCEPHALOPATHY DUE TO PYRUVATE CARBOXYLASE DEFICIENCY; LEIGH SYNDROME DUE TO PYRUVATE CARBOXYLASE DEFICIENCY; PC DEFICIENCY. Identifiers: Orphanet 3008, MedGen C0034341, MONDO:0009949, OMIM 266150.

Allele frequency attached by ClinVar (database versions not stated): 1000 Genomes Project 0.00080; gnomAD 0.00083; 1000 Genomes Project 30x 0.00094; TOPMed 0.00108; ESP Exome Variant Server 0.00123; gnomAD exomes 0.00136 and 0.00161; ExAC 0.00164.
gnomAD v4.1: 2,106 of 1,589,136 alleles (0.13%); highest among the groups gnomAD compares: South Asian, 0.54%; 11 homozygotes.

Submissions (4):

Labcorp Genetics (formerly Invitae), Labcorp
Classification: Benign for Pyruvate carboxylase deficiency. Last evaluated: 2026-02-02. Review status: criteria provided, single submitter. Criteria: Invitae Variant Classification Sherloc (09022015). Collection method: clinical testing. Allele origin: germline.

Blueprint Genetics
Classification: Likely benign. Last evaluated: 2024-11-15. Review status: criteria provided, single submitter. Criteria: ACMG Guidelines, 2015. Collection method: clinical testing. Allele origin: germline.

GeneDx
Classification: Benign. Last evaluated: 2013-08-30. Review status: criteria provided, single submitter. Criteria: GeneDx Variant Classification (06012015). Collection method: clinical testing. Allele origin: germline. Affected: yes.
Comment: This variant is considered likely benign or benign based on one or more of the following criteria: it is a conservative change, it occurs at a poorly conserved position in the protein, it is predicted to be benign by multiple in silico algorithms, and/or has population frequency not consistent with disease.

Breakthrough Genomics
Classification: Benign. Review status: criteria provided, single submitter. Criteria: ACMG Guidelines, 2015. Collection method: not provided. Allele origin: germline. Inheritance: Autosomal recessive inheritance. Affected: yes.